The following is an entry in ClinVar:

NM_000052.7(ATP7A):c.1885G>A (p.Ala629Thr)

Gene: ATP7A (ATPase copper transporting alpha; plus strand). Cytogenetic location: Xq21.1.
Variant type: single nucleotide variant.
Coding change: c.1885G>A on transcript NM_000052.7 (MANE Select); coding-DNA position 1885, G replaced by A.
Protein change: p.Ala629Thr; replaces alanine 629 with threonine.
Molecular consequence: missense variant.
Genome position (GRCh38, 1-based): chrX:78,011,191, G>A. VCF-style: chrX-78011191-G-A. GRCh37 (hg19) VCF-style: chrX-77266688-G-A.
Other names: c.1885G>A, p.Ala629Thr (NM_001282224.2); short protein forms A629T.
Identifiers: ClinVar variation 1676176 (VCV001676176.33), dbSNP rs72554639, ClinGen allele CA413597929.

ClinVar aggregate classification (germline): Uncertain significance. Review status: criteria provided, multiple submitters, no conflicts (2 of 4 stars). 2 submissions from 2 submitters: Uncertain significance (2). Last evaluated 2022-01-01.

Conditions:
Inborn genetic diseases. Identifiers: MedGen C0950123, MeSH D030342.

Submissions (2):

CeGaT Center for Human Genetics Tuebingen
Classification: Uncertain significance. Last evaluated: 2022-01-01. Review status: criteria provided, single submitter. Criteria: CeGaT Center For Human Genetics Tuebingen Variant Classification Criteria Version 2. Collection method: clinical testing. Allele origin: germline. Affected: yes. Observed: 2 variant alleles.

Ambry Genetics
Classification: Uncertain significance for Inborn genetic diseases. Last evaluated: 2018-08-10. Review status: criteria provided, single submitter. Criteria: Ambry Variant Classification Scheme 2023. Collection method: clinical testing. Allele origin: germline.
Comment: The p.A629T variant (also known as c.1885G>A), located in coding exon 7 of the ATP7A gene, results from a G to A substitution at nucleotide position 1885. The alanine at codon 629 is replaced by threonine, an amino acid with similar properties. This amino acid position is not well conserved in available vertebrate species, and Threonine is the reference amino acid in other vertebrate species. In addition, the in silico prediction for this alteration is inconclusive. Since supporting evidence is limited at this time, the clinical significance of this alteration remains unclear.